The following is an entry in ClinVar:

ClinVar aggregate classification (germline): Uncertain significance. Review status: criteria provided, multiple submitters, no conflicts (2 of 4 stars). 2 submissions from 2 submitters: Uncertain significance (2). Last evaluated 2025-11-05.

Conditions:
Inborn genetic diseases. Identifiers: MedGen C0950123, MeSH D030342.

Allele frequency attached by ClinVar (database versions not stated): gnomAD 0.00004; ExAC 0.00005; gnomAD exomes 0.00007.
gnomAD v4.1: 98 of 1,612,990 alleles (0.0061%); highest among the groups gnomAD compares: East Asian, 0.016%; no homozygotes.

Submissions (2):

Labcorp Genetics (formerly Invitae), Labcorp
Classification: Uncertain significance. Last evaluated: 2025-11-05. Review status: criteria provided, single submitter. Criteria: Invitae Variant Classification Sherloc (09022015). Collection method: clinical testing. Allele origin: germline.
Comment: This sequence change replaces threonine, which is neutral and polar, with methionine, which is neutral and non-polar, at codon 1498 of the COL4A2 protein (p.Thr1498Met). This variant is present in population databases (rs771002365, gnomAD 0.007%). This variant has not been reported in the literature in individuals affected with COL4A2-related conditions. ClinVar contains an entry for this variant (Variation ID: 2160839). Invitae Evidence Modeling of protein sequence and biophysical properties (such as structural, functional, and spatial information, amino acid conservation, physicochemical variation, residue mobility, and thermodynamic stability) indicates that this missense variant is not expected to disrupt COL4A2 protein function with a negative predictive value of 80%. In summary, the available evidence is currently insufficient to determine the role of this variant in disease. Therefore, it has been classified as a Variant of Uncertain Significance.

Ambry Genetics
Classification: Uncertain significance for Inborn genetic diseases. Last evaluated: 2022-04-12. Review status: criteria provided, single submitter. Criteria: Ambry Variant Classification Scheme 2023. Collection method: clinical testing. Allele origin: germline.

NM_001846.4(COL4A2):c.4493C>T (p.Thr1498Met)

Genes: COL4A2-AS1 (COL4A2 antisense RNA 1; minus strand), COL4A2 (collagen type IV alpha 2 chain; plus strand). Cytogenetic location: 13q34.
Variant type: single nucleotide variant.
Coding change: c.4493C>T on transcript NM_001846.4 (MANE Select); coding-DNA position 4493, C replaced by T.
Protein change: p.Thr1498Met; replaces threonine 1498 with methionine.
Molecular consequence: missense variant.
Genome position (GRCh38, 1-based): chr13:110,506,505, C>T. VCF-style: chr13-110506505-C-T. GRCh37 (hg19) VCF-style: chr13-111158852-C-T.
Other names: c.4493C>T (NM_001846.2); short protein forms T1498M.
Identifiers: ClinVar variation 2160839 (VCV002160839.4), dbSNP rs771002365, ClinGen allele CA7050560.